The following is an entry in ClinVar:

ClinVar aggregate classification (germline): Uncertain significance (1 of 4 stars; one submission).

Conditions:
Long QT syndrome (LQTS). Identifiers: MedGen C0023976, MeSH D008133, MONDO:0002442. Disease mechanism: loss of function. Inheritance: Various modes of inheritance.

Submission:

Labcorp Genetics (formerly Invitae), Labcorp
Classification: Uncertain significance for Long QT syndrome. Last evaluated: 2023-03-17. Review status: criteria provided, single submitter. Criteria: Invitae Variant Classification Sherloc (09022015). Collection method: clinical testing. Allele origin: germline.
Comment: This sequence change replaces serine, which is neutral and polar, with threonine, which is neutral and polar, at codon 250 of the KCNH2 protein (p.Ser250Thr). In summary, the available evidence is currently insufficient to determine the role of this variant in disease. Therefore, it has been classified as a Variant of Uncertain Significance. An algorithm developed to predict the effect of missense changes on protein structure and function (PolyPhen-2) suggests that this variant is likely to be tolerated. ClinVar contains an entry for this variant (Variation ID: 1427253). This variant has not been reported in the literature in individuals affected with KCNH2-related conditions. This variant is not present in population databases (gnomAD no frequency).

NM_000238.4(KCNH2):c.748T>A (p.Ser250Thr)

Gene: KCNH2 (potassium voltage-gated channel subfamily H member 2; minus strand). Cytogenetic location: 7q36.1.
Variant type: single nucleotide variant.
Coding change: c.748T>A on transcript NM_000238.4 (MANE Select); coding-DNA position 748, T replaced by A.
Protein change: p.Ser250Thr; replaces serine 250 with threonine.
Molecular consequence: missense variant.
Genome position (GRCh38, 1-based): chr7:150,958,227, A>T on the plus strand (T>A on the coding strand, the complement: KCNH2 is on the minus strand). VCF-style: chr7-150958227-A-T. GRCh37 (hg19) VCF-style: chr7-150655315-A-T.
Other names: c.460T>A, p.Ser154Thr (NM_001406753.1, NM_001406756.1); c.571T>A, p.Ser191Thr (NM_001406755.1); c.448T>A, p.Ser150Thr (NM_001406757.1); c.748T>A, p.Ser250Thr (NM_172056.3); short protein forms S250T, S154T, S150T, S191T.
Identifiers: ClinVar variation 1427253 (VCV001427253.9), dbSNP rs2117004339, ClinGen allele CA369862642.